The following is an entry in ClinVar:

NM_024548.4(CEP97):c.2200G>A (p.Gly734Arg)

Gene: CEP97 (centrosomal protein 97; plus strand). Cytogenetic location: 3q12.3.
Variant type: single nucleotide variant.
Coding change: c.2200G>A on transcript NM_024548.4 (MANE Select); coding-DNA position 2200, G replaced by A.
Protein change: p.Gly734Arg; replaces glycine 734 with arginine.
Molecular consequence: missense variant.
Genome position (GRCh38, 1-based): chr3:101,765,153, G>A. VCF-style: chr3-101765153-G-A. GRCh37 (hg19) VCF-style: chr3-101483997-G-A.
Other names: c.2023G>A, p.Gly675Arg (NM_001303401.2); c.2098G>A, p.Gly700Arg (NM_001410784.1); c.1921G>A, p.Gly641Arg (NM_001410785.1); short protein forms G734R, G700R, G641R, G675R.
Identifiers: ClinVar variation 2018426 (VCV002018426.4), dbSNP rs2545853021, ClinGen allele CA353881571.

ClinVar aggregate classification (germline): Uncertain significance (1 of 4 stars; one submission).

Submission:

Labcorp Genetics (formerly Invitae), Labcorp
Classification: Uncertain significance. Last evaluated: 2022-07-20. Review status: criteria provided, single submitter. Criteria: Invitae Variant Classification Sherloc (09022015). Collection method: clinical testing. Allele origin: germline.
Comment: In summary, the available evidence is currently insufficient to determine the role of this variant in disease. Therefore, it has been classified as a Variant of Uncertain Significance. Algorithms developed to predict the effect of missense changes on protein structure and function are either unavailable or do not agree on the potential impact of this missense change (SIFT: "Tolerated"; PolyPhen-2: "Possibly Damaging"; Align-GVGD: "Class C0"). This variant has not been reported in the literature in individuals affected with CEP97-related conditions. This variant is not present in population databases (gnomAD no frequency). This sequence change replaces glycine, which is neutral and non-polar, with arginine, which is basic and polar, at codon 734 of the CEP97 protein (p.Gly734Arg).